The following is an entry in ClinVar:

ClinVar aggregate classification (germline): Pathogenic (1 of 4 stars; one submission).

Conditions:
Holocarboxylase synthetase deficiency. Also called: MULTIPLE CARBOXYLASE DEFICIENCY, EARLY ONSET. Identifiers: Orphanet 79242, MedGen C0268581, MONDO:0009666, OMIM 253270.

Submission:

Labcorp Genetics (formerly Invitae), Labcorp
Classification: Pathogenic for Holocarboxylase synthetase deficiency. Last evaluated: 2024-02-08. Review status: criteria provided, single submitter. Criteria: Invitae Variant Classification Sherloc (09022015). Collection method: clinical testing. Allele origin: germline.
Comment: This sequence change creates a premature translational stop signal (p.Met377Asnfs*45) in the HLCS gene. It is expected to result in an absent or disrupted protein product. Loss-of-function variants in HLCS are known to be pathogenic (PMID: 16134170). This variant is not present in population databases (gnomAD no frequency). This variant has not been reported in the literature in individuals affected with HLCS-related conditions. For these reasons, this variant has been classified as Pathogenic.

Literature cited by the submitters: PubMed 16134170.

NM_001352514.2(HLCS):c.1570dup (p.Met524fs)

Gene: HLCS (holocarboxylase synthetase; minus strand). Cytogenetic location: 21q22.13.
Variant type: Duplication.
Coding change: c.1570dup on transcript NM_001352514.2 (MANE Select); coding-DNA position 1570, one base duplicated (A; older notation c.1570dupA).
Protein change: p.Met524fs; shifts the reading frame from methionine 524.
Molecular consequence: frameshift variant. On other transcripts: non-coding transcript variant (2).
Genome position (GRCh38, 1-based): chr21:36,930,301, T duplicated on the plus strand (A on the coding strand, the reverse complement: HLCS is on the minus strand). VCF-style (leftmost placement, unchanged base first): chr21-36930300-A-AT. GRCh37 (hg19) VCF-style: chr21-38302600-A-AT.
Other names: c.1129dup, p.Met377fs (NM_000411.8, NM_001242784.3, NM_001242785.2 and 4 more transcripts); short protein forms M377fs, M524fs.
Identifiers: ClinVar variation 3639775 (VCV003639775.2).